The following is an entry in ClinVar:

NM_022168.4(IFIH1):c.2728T>A (p.Cys910Ser)

Gene: IFIH1 (interferon induced with helicase C domain 1; minus strand). Cytogenetic location: 2q24.2.
Variant type: single nucleotide variant.
Coding change: c.2728T>A on transcript NM_022168.4 (MANE Select); coding-DNA position 2728, T replaced by A.
Protein change: p.Cys910Ser; replaces cysteine 910 with serine.
Molecular consequence: missense variant.
Genome position (GRCh38, 1-based): chr2:162,268,166, A>T on the plus strand (T>A on the coding strand, the complement: IFIH1 is on the minus strand). VCF-style: chr2-162268166-A-T. GRCh37 (hg19) VCF-style: chr2-163124676-A-T.
Other names: short protein forms C910S.
Identifiers: ClinVar variation 2940918 (VCV002940918.3), dbSNP rs2468944570, ClinGen allele CA348991094.

ClinVar aggregate classification (germline): Uncertain significance (1 of 4 stars; one submission).

Conditions:
Aicardi-Goutieres syndrome 7 (AGS7). Identifiers: Orphanet 51, MedGen C3888244, MONDO:0014367, OMIM 615846.
Singleton-Merten syndrome 1 (SGMRT1). Also called: Widened medullary cavities of bone, aortic calcification, abnormal dentition, and muscular weakness; Syndrome of widened medullary cavities of the metacarpals and phalanges, aortic calcification and abnormal dentition. Identifiers: Orphanet 85191, MedGen C4225427, MONDO:0024535, OMIM 182250.

Submission:

Labcorp Genetics (formerly Invitae), Labcorp
Classification: Uncertain significance for Aicardi-Goutieres syndrome 7; Singleton-Merten syndrome 1. Last evaluated: 2022-12-15. Review status: criteria provided, single submitter. Criteria: Invitae Variant Classification Sherloc (09022015). Collection method: clinical testing. Allele origin: germline.
Comment: In summary, the available evidence is currently insufficient to determine the role of this variant in disease. Therefore, it has been classified as a Variant of Uncertain Significance. Advanced modeling of protein sequence and biophysical properties (such as structural, functional, and spatial information, amino acid conservation, physicochemical variation, residue mobility, and thermodynamic stability) has been performed at Invitae for this missense variant, however the output from this modeling did not meet the statistical confidence thresholds required to predict the impact of this variant on IFIH1 protein function. This variant has not been reported in the literature in individuals affected with IFIH1-related conditions. This variant is not present in population databases (gnomAD no frequency). This sequence change replaces cysteine, which is neutral and slightly polar, with serine, which is neutral and polar, at codon 910 of the IFIH1 protein (p.Cys910Ser).